The following is an entry in ClinVar:

NM_002890.3(RASA1):c.3037A>G (p.Ser1013Gly)

Genes: CCNH (cyclin H; minus strand), RASA1 (RAS p21 protein activator 1; plus strand). Cytogenetic location: 5q14.3.
Variant type: single nucleotide variant.
Coding change: c.3037A>G on transcript NM_002890.3 (MANE Select); coding-DNA position 3037, A replaced by G.
Protein change: p.Ser1013Gly; replaces serine 1013 with glycine.
Molecular consequence: missense variant. On other transcripts: intron variant (1).
Genome position (GRCh38, 1-based): chr5:87,389,504, A>G. VCF-style: chr5-87389504-A-G. GRCh37 (hg19) VCF-style: chr5-86685321-A-G.
Other names: c.2506A>G, p.Ser836Gly (NM_022650.3); c.933+5540T>C (NM_001364075.2); short protein forms S1013G, S836G.
Identifiers: ClinVar variation 1185036 (VCV001185036.3), dbSNP rs993477801, ClinGen allele CA121822133.
Genomic context (GRCh38, chr5:87,389,504, plus strand): 5'-CGTGATTTAGCAGCATTGCATGAGATTTGCGTGGCTCATTCAGATGAACTTCGAACGCTC[A>G]GTAATGAGCGTGGTGCACAGCAGGTAGGCTTTCGCCAGCCTTCATTAACAATGATGTTTC-3'
Protein context (NP_002881.1, residues 1003-1023): VAHSDELRTL[Ser1013Gly]NERGAQQHVL

ClinVar aggregate classification (germline): Uncertain significance (1 of 4 stars; one submission).

Conditions:
Capillary malformation-arteriovenous malformation 1 (CMAVM1). Identifiers: Orphanet 137667, Orphanet 693907, MedGen C4747394, MONDO:0020783, OMIM 608354.

Allele frequency attached by ClinVar (database versions not stated): TOPMed below 0.00001.

Submission:

Johns Hopkins Genomics, Johns Hopkins University
Classification: Uncertain significance for Capillary malformation-arteriovenous malformation 1. Last evaluated: 2021-06-17. Review status: criteria provided, single submitter. Criteria: ACMG Guidelines, 2015. Collection method: clinical testing. Allele origin: germline.
Comment: This RASA1 variant is absent from a large population dataset and has not been reported in ClinVar nor the literature, to our knowledge. Of three bioinformatics tools queried, two predict that the substitution would be tolerated, while one predicts that it would be damaging. The serine residue at this position is evolutionarily conserved across all species assessed. Bioinformatics analysis predicts that this variant may create a weak cyptic donor splice site and affect normal exon 24 splicing, although this has not been confirmed experimentally to our knowledge. We consider the clinical significance of RASA1 c.3037A>G to be uncertain at this time.